The following is an entry in ClinVar:

ClinVar aggregate classification (germline): Uncertain significance (1 of 4 stars; one submission).

Allele frequency attached by ClinVar (database versions not stated): TOPMed below 0.00001; gnomAD 0.00001; gnomAD exomes 0.00004 and 0.00012; ExAC 0.00014.
gnomAD v4.1: 67 of 1,612,438 alleles (0.0042%); highest among the groups gnomAD compares: South Asian, 0.066%; 1 homozygote.

Submission:

Labcorp Genetics (formerly Invitae), Labcorp
Classification: Uncertain significance. Last evaluated: 2024-03-11. Review status: criteria provided, single submitter. Criteria: Invitae Variant Classification Sherloc (09022015). Collection method: clinical testing. Allele origin: germline.
Comment: This sequence change replaces glycine, which is neutral and non-polar, with glutamic acid, which is acidic and polar, at codon 115 of the MS4A1 protein (p.Gly115Glu). This variant is present in population databases (rs777259260, gnomAD 0.09%), and has an allele count higher than expected for a pathogenic variant. This variant has not been reported in the literature in individuals affected with MS4A1-related conditions. ClinVar contains an entry for this variant (Variation ID: 1438393). An algorithm developed to predict the effect of missense changes on protein structure and function (PolyPhen-2) suggests that this variant is likely to be disruptive. In summary, the available evidence is currently insufficient to determine the role of this variant in disease. Therefore, it has been classified as a Variant of Uncertain Significance.

NM_152866.3(MS4A1):c.344G>A (p.Gly115Glu)

Gene: MS4A1 (membrane spanning 4-domains A1; plus strand). Cytogenetic location: 11q12.2.
Variant type: single nucleotide variant.
Coding change: c.344G>A on transcript NM_152866.3 (MANE Select); coding-DNA position 344, G replaced by A.
Protein change: p.Gly115Glu; replaces glycine 115 with glutamic acid.
Molecular consequence: missense variant.
Genome position (GRCh38, 1-based): chr11:60,465,928, G>A. VCF-style: chr11-60465928-G-A. GRCh37 (hg19) VCF-style: chr11-60233401-G-A.
Other names: c.344G>A, p.Gly115Glu (NM_021950.4, NM_152867.2); short protein forms G115E.
Identifiers: ClinVar variation 1438393 (VCV001438393.9), dbSNP rs777259260, ClinGen allele CA6024980.